The following is an entry in ClinVar:

ClinVar aggregate classification (germline): Uncertain significance (1 of 4 stars; one submission).

Submission:

Labcorp Genetics (formerly Invitae), Labcorp
Classification: Uncertain significance. Last evaluated: 2021-05-20. Review status: criteria provided, single submitter. Criteria: Invitae Variant Classification Sherloc (09022015). Collection method: clinical testing. Allele origin: germline.
Comment: This sequence change replaces glutamic acid with lysine at codon 335 of the ACTG2 protein (p.Glu335Lys). The glutamic acid residue is highly conserved and there is a small physicochemical difference between glutamic acid and lysine. In summary, the available evidence is currently insufficient to determine the role of this variant in disease. Therefore, it has been classified as a Variant of Uncertain Significance. Advanced modeling of protein sequence and biophysical properties (such as structural, functional, and spatial information, amino acid conservation, physicochemical variation, residue mobility, and thermodynamic stability) performed at Invitae indicates that this missense variant is expected to disrupt ACTG2 protein function. This variant has been observed in individual(s) with clinical features of ACTG2-related conditions (Invitae). This variant is not present in population databases (ExAC no frequency).

NM_001615.4(ACTG2):c.1003G>A (p.Glu335Lys)

Gene: ACTG2 (actin gamma 2, smooth muscle; plus strand). Cytogenetic location: 2p13.1.
Variant type: single nucleotide variant.
Coding change: c.1003G>A on transcript NM_001615.4 (MANE Select); coding-DNA position 1003, G replaced by A.
Protein change: p.Glu335Lys; replaces glutamic acid 335 with lysine.
Molecular consequence: missense variant.
Genome position (GRCh38, 1-based): chr2:73,919,447, G>A. VCF-style: chr2-73919447-G-A. GRCh37 (hg19) VCF-style: chr2-74146574-G-A.
Other names: c.874G>A, p.Glu292Lys (NM_001199893.2); short protein forms E292K, E335K.
Identifiers: ClinVar variation 1432699 (VCV001432699.6), dbSNP rs2104827743, ClinGen allele CA347295014.